The following is an entry in ClinVar:

NM_152564.5(VPS13B):c.11158G>A (p.Glu3720Lys)

Gene: VPS13B (vacuolar protein sorting 13 homolog B; plus strand). Cytogenetic location: 8q22.2.
Variant type: single nucleotide variant.
Coding change: c.11158G>A on transcript NM_152564.5 (MANE Select); coding-DNA position 11158, G replaced by A.
Protein change: p.Glu3720Lys; replaces glutamic acid 3720 with lysine.
Molecular consequence: missense variant.
Genome position (GRCh38, 1-based): chr8:99,861,889, G>A. VCF-style: chr8-99861889-G-A. GRCh37 (hg19) VCF-style: chr8-100874117-G-A.
Other names: p.Glu3745Lys; c.11233G>A, p.Glu3745Lys (NM_017890.5); c.11158G>A (NM_152564.4); short protein forms E3720K, E3745K.
Identifiers: ClinVar variation 235216 (VCV000235216.35), dbSNP rs150393340, ClinGen allele CA4825157.

ClinVar aggregate classification (germline): Conflicting classifications of pathogenicity. Review status: criteria provided, conflicting classifications (1 of 4 stars). 10 submissions from 10 submitters: Uncertain significance (3); Likely benign (6). 1 of the submissions does not count toward it. Last evaluated 2026-01-28.

Conditions:
VPS13B-related disorder. Also called: VPS13B-related condition.
Inborn genetic diseases. Identifiers: MedGen C0950123, MeSH D030342.
Cohen syndrome (COH1). Also called: PEPPER SYNDROME; Cutis verticis gyrata, retinitis pigmentosa, and sensorineural deafness. Identifiers: Orphanet 193, MedGen C0265223, MONDO:0008999, OMIM 216550.

Allele frequency attached by ClinVar (database versions not stated): gnomAD exomes 0.00013 and 0.00024; ExAC 0.00043; gnomAD 0.00110 and 0.00118; 1000 Genomes Project 0.00120; TOPMed 0.00130; 1000 Genomes Project 30x 0.00141; ESP Exome Variant Server 0.00147.
gnomAD v4.1: 352 of 1,595,842 alleles (0.022%); highest among the groups gnomAD compares: African/African-American, 0.39%; no homozygotes.

Submissions (10):

Labcorp Genetics (formerly Invitae), Labcorp
Classification: Likely benign for Cohen syndrome. Last evaluated: 2026-01-28. Review status: criteria provided, single submitter. Criteria: Invitae Variant Classification Sherloc (09022015). Collection method: clinical testing. Allele origin: germline.

PreventionGenetics, part of Exact Sciences
Classification: Likely benign for VPS13B-related condition. Last evaluated: 2025-12-29. Review status: criteria provided, single submitter. Criteria: ACMG Guidelines, 2015. Collection method: clinical testing. Allele origin: germline.
Comment: This variant is classified as likely benign based on ACMG/AMP sequence variant interpretation guidelines (Richards et al. 2015 PMID: 25741868, with internal and published modifications).

Mayo Clinic Laboratories, Mayo Clinic
Classification: Likely benign. Last evaluated: 2025-09-29. Review status: criteria provided, single submitter. Criteria: ACMG Guidelines, 2015. Collection method: clinical testing. Allele origin: germline. Observed: 2 variant alleles.
Comment: BS1, BP1, BP4

Blueprint Genetics
Classification: Likely benign. Last evaluated: 2024-07-24. Review status: criteria provided, single submitter. Criteria: ACMG Guidelines, 2015. Collection method: clinical testing. Allele origin: germline.

GeneDx
Classification: Likely benign. Last evaluated: 2019-11-19. Review status: criteria provided, single submitter. Criteria: GeneDx Variant Classification Process June 2021. Collection method: clinical testing. Allele origin: germline. Affected: yes.
Comment: In silico analysis supports that this missense variant does not alter protein structure/function; Has not been previously published as pathogenic or benign to our knowledge

Illumina Laboratory Services, Illumina
Classification: Likely benign for Cohen syndrome. Last evaluated: 2018-01-12. Review status: criteria provided, single submitter. Criteria: ICSL Variant Classification Criteria 13 December 2019. Collection method: clinical testing. Allele origin: germline.
Comment: This variant was observed in the ICSL laboratory as part of a predisposition screen in an ostensibly healthy population. It had not been previously curated by ICSL or reported in the Human Gene Mutation Database (HGMD: prior to June 1st, 2018), and was therefore a candidate for classification through an automated scoring system. Utilizing variant allele frequency, disease prevalence and penetrance estimates, and inheritance mode, an automated score was calculated to assess if this variant is too frequent to cause the disease. Based on the score and internal cut-off values, a variant classified as likely benign is not then subjected to further curation. The score for this variant resulted in a classification of likely benign for this disease.

Ambry Genetics
Classification: Uncertain significance for Inborn genetic diseases. Last evaluated: 2017-09-12. Review status: criteria provided, single submitter. Criteria: Ambry Variant Classification Scheme 2023. Collection method: clinical testing. Allele origin: germline.
Comment: The p.E3745K variant (also known as c.11233G>A), located in coding exon 57 of the VPS13B gene, results from a G to A substitution at nucleotide position 11233. The glutamic acid at codon 3745 is replaced by lysine, an amino acid with similar properties. This amino acid position is highly conserved in available vertebrate species. In addition, the in silico prediction for this alteration is inconclusive. Since supporting evidence is limited at this time, the clinical significance of this variant remains unclear.

Genetic Services Laboratory, University of Chicago
Classification: Uncertain significance. Last evaluated: 2016-05-05. Review status: criteria provided, single submitter. Criteria: ACMG Guidelines, 2015. Collection method: clinical testing. Allele origin: germline. Affected: no.

Center for Pediatric Genomic Medicine, Children's Mercy Hospital and Clinics
Classification: Uncertain significance. Last evaluated: 2016-03-22. Review status: criteria provided, single submitter. Criteria: ACMG Guidelines, 2015. Collection method: clinical testing. Allele origin: germline.
ClinVar note: Converted during submission from Uncertain Significance to Uncertain significance.

Natera, Inc.
Classification: Likely benign for Cohen syndrome. Last evaluated: 2020-06-04. Review status: no assertion criteria provided. Collection method: clinical testing. Allele origin: germline. Not counted in ClinVar's aggregate classification.